The following is an entry in ClinVar:

ClinVar aggregate classification (germline): Likely pathogenic (1 of 4 stars; one submission).

Conditions:
Vesicoureteral reflux (VUR). Also called: Vesicoureteric reflux; Vesico-Ureteral Reflux. Identifiers: MedGen C0042580, MONDO:0006007, HP:0000076.
Mild intellectual disability. Identifiers: MedGen C0026106, HP:0001256.
Horseshoe kidney. Identifiers: MedGen C0221353, HP:0000085.
Seizure. Also called: Seizures. Identifiers: MedGen C0036572, HP:0001250.
Plagiocephaly. Identifiers: MedGen C0265529, HP:0001357.

Allele frequency attached by ClinVar (database versions not stated): gnomAD exomes below 0.00001.

Submission:

Centre for Mendelian Genomics, University Medical Centre Ljubljana
Classification: Likely pathogenic for Vesicoureteral reflux; Horseshoe kidney; Seizure; Mild intellectual disability; Plagiocephaly. Last evaluated: 2016-01-01. Review status: criteria provided, single submitter. Criteria: ACMG guidelines, Richards 2015. Collection method: clinical testing. Allele origin: germline. Affected: yes.
Comment: This variant was classified as: Pathogenic. This variant was detected in heterozygous state.

NM_133433.4(NIPBL):c.1052C>T (p.Pro351Leu)

Gene: NIPBL (NIPBL cohesin loading factor; plus strand). Cytogenetic location: 5p13.2.
Variant type: single nucleotide variant.
Coding change: c.1052C>T on transcript NM_133433.4 (MANE Select); coding-DNA position 1052, C replaced by T.
Protein change: p.Pro351Leu; replaces proline 351 with leucine.
Molecular consequence: missense variant.
Genome position (GRCh38, 1-based): chr5:36,975,959, C>T. VCF-style: chr5-36975959-C-T. GRCh37 (hg19) VCF-style: chr5-36976061-C-T.
Other names: c.1052C>T, p.Pro351Leu (NM_015384.5); short protein forms P351L.
Identifiers: ClinVar variation 978555 (VCV000978555.2), dbSNP rs1743394245, ClinGen allele CA359483816.